The following is an entry in ClinVar:

ClinVar aggregate classification (germline): Uncertain significance (0 of 4 stars; one submission).

Conditions:
PLXNA4-related disorder. Also called: PLXNA4-related condition.

gnomAD v4.1: 13 of 1,614,132 alleles (0.00081%); highest among the groups gnomAD compares: Non-Finnish European, 0.001%; no homozygotes.

Submission:

PreventionGenetics, part of Exact Sciences
Classification: Uncertain significance for PLXNA4-related condition. Last evaluated: 2023-10-20. Review status: no assertion criteria provided. Collection method: clinical testing. Allele origin: germline.
Comment: The PLXNA4 c.5491G>A variant is predicted to result in the amino acid substitution p.Ala1831Thr. To our knowledge, this variant has not been reported in the literature. This variant is reported in 0.0018% of alleles in individuals of European (Non-Finnish) descent in gnomAD. At this time, the clinical significance of this variant is uncertain due to the absence of conclusive functional and genetic evidence.

NM_020911.2(PLXNA4):c.5491G>A (p.Ala1831Thr)

Gene: PLXNA4 (plexin A4; minus strand). Cytogenetic location: 7q32.3.
Variant type: single nucleotide variant.
Coding change: c.5491G>A on transcript NM_020911.2 (MANE Select); coding-DNA position 5491, G replaced by A.
Protein change: p.Ala1831Thr; replaces alanine 1831 with threonine.
Molecular consequence: missense variant.
Genome position (GRCh38, 1-based): chr7:132,133,147, C>T on the plus strand (G>A on the coding strand, the complement: PLXNA4 is on the minus strand). VCF-style: chr7-132133147-C-T. GRCh37 (hg19) VCF-style: chr7-131817906-C-T.
Other names: c.5491G>A, p.Ala1831Thr (NM_001393897.1); short protein forms A1831T.
Identifiers: ClinVar variation 3350888 (VCV003350888.1).